The following is an entry in ClinVar:

NM_001370259.2(MEN1):c.645G>A (p.Val215=)

Gene: MEN1 (menin 1; minus strand). Cytogenetic location: 11q13.1.
Variant type: single nucleotide variant.
Coding change: c.645G>A on transcript NM_001370259.2 (MANE Select); coding-DNA position 645, G replaced by A.
Protein change: p.Val215=; no amino-acid change (valine 215 retained).
Molecular consequence: synonymous variant. On other transcripts: intron variant (2).
Genome position (GRCh38, 1-based): chr11:64,807,900, C>T on the plus strand (G>A on the coding strand, the complement: MEN1 is on the minus strand). VCF-style: chr11-64807900-C-T. GRCh37 (hg19) VCF-style: chr11-64575372-C-T.
Other names: c.660G>A, p.Val220= (NM_130800.3, NM_130801.3, NM_130802.3 and 3 more transcripts); c.549+96G>A (NM_001370263.2, NM_001370262.2); c.645G>A, p.Val215= (NM_001370251.2, NM_001370260.2, NM_001370261.2 and 1 more transcripts).
Identifiers: ClinVar variation 1056409 (VCV001056409.13), dbSNP rs1347044526, ClinGen allele CA475162830.

ClinVar aggregate classification (germline): Conflicting classifications of pathogenicity. Review status: criteria provided, conflicting classifications (1 of 4 stars). 4 submissions from 4 submitters: Uncertain significance (1); Benign (1); Likely benign (2). Last evaluated 2025-06-18.

Conditions:
Hereditary cancer-predisposing syndrome. Also called: Tumor predisposition; Neoplastic Syndromes, Hereditary; Hereditary Cancer Syndrome; Hereditary neoplastic syndrome. Identifiers: Orphanet 140162, MedGen C0027672, MeSH D009386, MONDO:0015356.
Multiple endocrine neoplasia, type 1 (MEN1). Also called: MEN I; WERMER SYNDROME; Endocrine adenomatosis multiple; MEN 1; MEA I. Identifiers: Orphanet 652, MedGen C0025267, MeSH D018761, MONDO:0007540, OMIM 131100.

Allele frequency attached by ClinVar (database versions not stated): gnomAD exomes below 0.00001.

Submissions (4):

Labcorp Genetics (formerly Invitae), Labcorp
Classification: Likely benign for Multiple endocrine neoplasia, type 1. Last evaluated: 2025-06-18. Review status: criteria provided, single submitter. Criteria: Invitae Variant Classification Sherloc (09022015). Collection method: clinical testing. Allele origin: germline.

Myriad Genetics, Inc.
Classification: Benign for Multiple endocrine neoplasia, type 1. Last evaluated: 2024-11-01. Review status: criteria provided, single submitter. Criteria: Myriad Autosomal Dominant, Autosomal Recessive and X-Linked Classification Criteria (2023). Collection method: clinical testing. Allele origin: unknown.
Comment: This variant is considered benign. This variant is a silent/synonymous amino acid change and it is not expected to impact splicing.

Ambry Genetics
Classification: Likely benign for Hereditary cancer-predisposing syndrome. Last evaluated: 2022-03-07. Review status: criteria provided, single submitter. Criteria: Ambry Variant Classification Scheme 2023. Collection method: clinical testing. Allele origin: germline.

Sema4
Classification: Uncertain significance for Hereditary cancer-predisposing syndrome. Last evaluated: 2021-08-06. Review status: criteria provided, single submitter. Criteria: Sema4 Curation Guidelines. Collection method: curation. Allele origin: germline.
Comment: The MEN1 c.645G>A (p.V215=) variant has not been reported in the literature to our knowledge. It was observed in 1/250952 chromosomes in the Genome Aggregation Database (PMID: 32461654). The variant has been reported in ClinVar (Variation ID 1056409). In silico tools suggest the variant may potentially have an impact on splicing, though these predictions have not been confirmed by functional studies. The evidence is insufficient to meet ACMG/AMP criteria for classifying the variant as benign or pathogenic. Thus, the clinical significance of this variant is currently uncertain.